The following is an entry in ClinVar:

NM_030665.4(RAI1):c.3920G>T (p.Arg1307Leu)

Gene: RAI1 (retinoic acid induced 1; plus strand). Cytogenetic location: 17p11.2.
Variant type: single nucleotide variant.
Coding change: c.3920G>T on transcript NM_030665.4 (MANE Select); coding-DNA position 3920, G replaced by T.
Protein change: p.Arg1307Leu; replaces arginine 1307 with leucine.
Molecular consequence: missense variant.
Genome position (GRCh38, 1-based): chr17:17,796,868, G>T. VCF-style: chr17-17796868-G-T. GRCh37 (hg19) VCF-style: chr17-17700182-G-T.
Other names: c.3920G>T (NM_030665.3); short protein forms R1307L.
Identifiers: ClinVar variation 1558879 (VCV001558879.12), dbSNP rs369260099, ClinGen allele CA8418866.

ClinVar aggregate classification (germline): Benign/Likely benign. Review status: criteria provided, multiple submitters, no conflicts (2 of 4 stars). 3 submissions from 3 submitters: Benign (1); Likely benign (1). 1 of the submissions does not count toward it. Last evaluated 2024-06-26.

Conditions:
Inborn genetic diseases. Identifiers: MedGen C0950123, MeSH D030342.
RAI1-related disorder. Also called: RAI1-related condition.

gnomAD v4.1: 7 of 1,612,858 alleles (0.00043%); highest among the groups gnomAD compares: East Asian, 0.011%; no homozygotes.

Submissions (3):

Labcorp Genetics (formerly Invitae), Labcorp
Classification: Benign. Last evaluated: 2024-06-26. Review status: criteria provided, single submitter. Criteria: Invitae Variant Classification Sherloc (09022015). Collection method: clinical testing. Allele origin: germline.

Ambry Genetics
Classification: Likely benign for Inborn genetic diseases. Last evaluated: 2024-02-05. Review status: criteria provided, single submitter. Criteria: Ambry Variant Classification Scheme 2023. Collection method: clinical testing. Allele origin: germline.

PreventionGenetics, part of Exact Sciences
Classification: Likely benign for RAI1-related condition. Last evaluated: 2023-02-26. Review status: no assertion criteria provided. Collection method: clinical testing. Allele origin: germline. Not counted in ClinVar's aggregate classification.
Comment: This variant is classified as likely benign based on ACMG/AMP sequence variant interpretation guidelines (Richards et al. 2015 PMID: 25741868, with internal and published modifications).